The following is an entry in ClinVar:

ClinVar aggregate classification (germline): Likely benign. Review status: criteria provided, multiple submitters, no conflicts (2 of 4 stars). 2 submissions from 2 submitters: Likely benign (2). Last evaluated 2026-05-26.

Conditions:
Gastrointestinal stromal tumor. Also called: Gastrointestinal stromal tumor, somatic; Gastrointestinal stroma tumor. Identifiers: Orphanet 44890, MedGen C0238198, MeSH D046152, MONDO:0011719, OMIM 606764, HP:0100723.

Submissions (2):

Myriad Genetics, Inc.
Classification: Likely benign for Gastrointestinal stromal tumor. Last evaluated: 2026-05-26. Review status: criteria provided, single submitter. Criteria: Myriad Autosomal Dominant, Autosomal Recessive and X-Linked Classification Criteria (2023). Collection method: clinical testing. Allele origin: unknown.
Comment: This variant is considered likely benign. This variant is intronic and is not expected to impact mRNA splicing.

Labcorp Genetics (formerly Invitae), Labcorp
Classification: Likely benign for Gastrointestinal stromal tumor. Last evaluated: 2025-12-03. Review status: criteria provided, single submitter. Criteria: Invitae Variant Classification Sherloc (09022015). Collection method: clinical testing. Allele origin: germline.

NM_000222.3(KIT):c.619+7G>C

Gene: KIT (KIT proto-oncogene, receptor tyrosine kinase; plus strand). Cytogenetic location: 4q12.
Variant type: single nucleotide variant.
Coding change: c.619+7G>C on transcript NM_000222.3 (MANE Select); 7 bases into the intron after coding-DNA position 619, G replaced by C.
Molecular consequence: intron variant.
Genome position (GRCh38, 1-based): chr4:54,698,572, G>C. VCF-style: chr4-54698572-G-C. GRCh37 (hg19) VCF-style: chr4-55564738-G-C.
Other names: c.619+7G>C (NM_001385284.1, NM_001385290.1, NM_001385288.1 and 4 more transcripts).
Identifiers: ClinVar variation 743984 (VCV000743984.12), dbSNP rs965912884, ClinGen allele CA96848293.
Genomic context (GRCh38, chr4:54,698,572, plus strand): 5'-ACCAGGAGGGCAAGTCAGTGCTGTCGGAAAAATTCATCCTGAAAGTGAGGCCAGGTACTG[G>C]CTCTTTCTTATCTGCCTCTGGGAGTTGAGAACTCACTTATCTAAAGAAGACTTCTCTTCT-3'